The following is an entry in ClinVar:

NM_001276270.2(MBD4):c.840A>G (p.Gln280=)

Gene: MBD4 (methyl-CpG binding domain 4, DNA glycosylase; minus strand). Cytogenetic location: 3q21.3.
Variant type: single nucleotide variant.
Coding change: c.840A>G on transcript NM_001276270.2 (MANE Select); coding-DNA position 840, A replaced by G.
Protein change: p.Gln280=; no amino-acid change (glutamine 280 retained).
Molecular consequence: synonymous variant. On other transcripts: intron variant (1).
Genome position (GRCh38, 1-based): chr3:129,436,804, T>C on the plus strand (A>G on the coding strand, the complement: MBD4 is on the minus strand). VCF-style: chr3-129436804-T-C. GRCh37 (hg19) VCF-style: chr3-129155647-T-C.
Other names: c.840A>G, p.Gln280= (NM_001276271.2, NM_001276272.2, NM_003925.3); c.247+1004A>G (NM_001276273.2).
Identifiers: ClinVar variation 2870694 (VCV002870694.5), dbSNP rs147394477, ClinGen allele CA82636307.

ClinVar aggregate classification (germline): Benign/Likely benign. Review status: criteria provided, multiple submitters, no conflicts (2 of 4 stars). 3 submissions from 3 submitters: Benign (1); Likely benign (2). Last evaluated 2026-06-10.

Conditions:
Inborn genetic diseases. Identifiers: MedGen C0950123, MeSH D030342.
Tumor predisposition syndrome 2 (TPDS2). Also called: MBD4-ASSOCIATED NEOPLASIA SYNDROME; MBD4-Related Tumor Predisposition Syndrome; MBD4-associated neoplasia syndrome (MANS). Identifiers: Orphanet 661526, MedGen C5774186, MONDO:0859267, OMIM 619975.

Allele frequency attached by ClinVar (database versions not stated): gnomAD exomes 0.00001; gnomAD 0.00002; TOPMed 0.00002; ESP Exome Variant Server 0.00008.

Submissions (3):

Myriad Genetics, Inc.
Classification: Benign for Tumor predisposition syndrome 2. Last evaluated: 2026-06-10. Review status: criteria provided, single submitter. Criteria: Myriad Autosomal Dominant, Autosomal Recessive and X-Linked Classification Criteria (2023). Collection method: clinical testing. Allele origin: unknown.
Comment: This variant is considered benign. This variant is a silent/synonymous amino acid change and it is not expected to impact splicing.

Labcorp Genetics (formerly Invitae), Labcorp
Classification: Likely benign. Last evaluated: 2026-01-04. Review status: criteria provided, single submitter. Criteria: Invitae Variant Classification Sherloc (09022015). Collection method: clinical testing. Allele origin: germline.

Ambry Genetics
Classification: Likely benign for Inborn genetic diseases. Last evaluated: 2025-01-27. Review status: criteria provided, single submitter. Criteria: Ambry Variant Classification Scheme 2023. Collection method: clinical testing. Allele origin: germline.